The following is an entry in ClinVar:

ClinVar aggregate classification (germline): Benign. Review status: criteria provided, multiple submitters, no conflicts (2 of 4 stars). 17 submissions from 16 submitters: Benign (13). 4 of the submissions do not count toward it. Last evaluated 2026-02-04.

Conditions:
Early-infantile DEE. Also called: Early infantile epileptic encephalopathy with suppression bursts; Early infantile epileptic encephalopathy; Ohtahara syndrome. Identifiers: Orphanet 1934, MedGen C0393706, MONDO:0800491.
Inborn genetic diseases. Identifiers: MedGen C0950123, MeSH D030342.
Generalized epilepsy with febrile seizures plus. Also called: Generalized Epilepsy with Febrile Seizures Plus (GEFS+). Identifiers: Orphanet 36387, MedGen C3502809, MONDO:0018214.
Migraine, familial hemiplegic, 3. Identifiers: Orphanet 569, MedGen C1864987, MONDO:0012320, OMIM 609634.
Generalized epilepsy with febrile seizures plus, type 2 (GEFSP2). Also called: GEFS+, TYPE 2. Identifiers: Orphanet 36387, MedGen C1858673, MONDO:0011461, OMIM 604403.

Allele frequency attached by ClinVar (database versions not stated): ESP Exome Variant Server 0.72336; gnomAD 0.73885 and 0.73897; TOPMed 0.74055; 1000 Genomes Project 30x 0.78779; 1000 Genomes Project 0.78894.
gnomAD v4.1: 1,138,494 of 1,613,016 alleles (71%); highest among the groups gnomAD compares: East Asian, 89%; 404,607 homozygotes.

Submissions (17):

Labcorp Genetics (formerly Invitae), Labcorp
Classification: Benign for Early-infantile DEE. Last evaluated: 2026-02-04. Review status: criteria provided, single submitter. Criteria: Invitae Variant Classification Sherloc (09022015). Collection method: clinical testing. Allele origin: germline.

ARUP Laboratories, Molecular Genetics and Genomics, ARUP Laboratories
Classification: Benign. Last evaluated: 2025-07-17. Review status: criteria provided, single submitter. Criteria: ARUP Molecular Germline Variant Investigation Process 2024. Collection method: clinical testing. Allele origin: germline.

Blueprint Genetics
Classification: Benign. Last evaluated: 2024-11-26. Review status: criteria provided, single submitter. Criteria: ACMG Guidelines, 2015. Collection method: clinical testing. Allele origin: germline.

Unidad de Genómica Garrahan, Hospital de Pediatría Garrahan
Classification: Benign. Last evaluated: 2024-07-15. Review status: criteria provided, single submitter. Criteria: ACMG Guidelines, 2015. Collection method: clinical testing. Allele origin: germline. Affected: no. Observed: 84 variant alleles.
Comment: This variant is classified as Benign based on local population frequency. This variant was detected in 90% of patients studied in a panel designed for Epileptic and Developmental Encephalopathy and Progressive Myoclonus Epilepsy. Number of patients: 84. Only high quality variants are reported.

Athena Diagnostics
Classification: Benign. Last evaluated: 2020-05-11. Review status: criteria provided, single submitter. Criteria: Athena Diagnostics Criteria. Collection method: clinical testing. Allele origin: unknown.

Mayo Clinic Laboratories, Mayo Clinic
Classification: Benign. Last evaluated: 2018-04-13. Review status: criteria provided, single submitter. Criteria: ACMG Guidelines, 2015. Collection method: clinical testing. Allele origin: germline. Observed: 718 variant alleles.

Illumina Laboratory Services, Illumina
Classification: Benign for Migraine, familial hemiplegic, 3. Last evaluated: 2018-01-13. Review status: criteria provided, single submitter. Criteria: ICSL Variant Classification Criteria 13 December 2019. Collection method: clinical testing. Allele origin: germline.
Comment: This variant was observed in the ICSL laboratory as part of a predisposition screen in an ostensibly healthy population. It had not been previously curated by ICSL or reported in the Human Gene Mutation Database (HGMD: prior to June 1st, 2018), and was therefore a candidate for classification through an automated scoring system. Utilizing variant allele frequency, disease prevalence and penetrance estimates, and inheritance mode, an automated score was calculated to assess if this variant is too frequent to cause the disease. Based on the score and internal cut-off values, a variant classified as benign is not then subjected to further curation. The score for this variant resulted in a classification of benign for this disease.

Illumina Laboratory Services, Illumina
Classification: Benign for Generalized epilepsy with febrile seizures plus, type 2. Last evaluated: 2018-01-13. Review status: criteria provided, single submitter. Criteria: ICSL Variant Classification Criteria 13 December 2019. Collection method: clinical testing. Allele origin: germline.
Comment: the same text as in the submission from Illumina Laboratory Services, Illumina above.

Eurofins Ntd Llc (ga)
Classification: Benign. Last evaluated: 2016-02-12. Review status: criteria provided, single submitter. Criteria: EGL Classification Definitions 2015. Collection method: clinical testing. Allele origin: germline. Observed: 152 variant alleles, 63 heterozygotes, 89 homozygotes.

Ambry Genetics
Classification: Benign for Inborn genetic diseases. Last evaluated: 2015-12-31. Review status: criteria provided, single submitter. Criteria: Ambry Variant Classification Scheme 2023. Collection method: clinical testing. Allele origin: germline.

GeneDx
Classification: Benign. Last evaluated: 2015-03-03. Review status: criteria provided, single submitter. Criteria: GeneDx Variant Classification Process June 2021. Collection method: clinical testing. Allele origin: germline. Affected: yes.

Breakthrough Genomics
Classification: Benign. Review status: criteria provided, single submitter. Criteria: ACMG Guidelines, 2015. Collection method: not provided. Allele origin: germline. Inheritance: Autosomal dominant inheritance. Affected: yes.

PreventionGenetics, part of Exact Sciences
Classification: Benign. Review status: criteria provided, single submitter. Criteria: ACMG Guidelines, 2015. Collection method: clinical testing. Allele origin: germline.

Women's Health and Genetics/Laboratory Corporation of America, LabCorp
Classification: Benign for Generalized epilepsy with febrile seizures plus. Last evaluated: 2011-08-21. Review status: no assertion criteria provided. Collection method: clinical testing. Allele origin: germline. Not counted in ClinVar's aggregate classification.

Diagnostic Laboratory, Department of Genetics, University Medical Center Groningen
Classification: Benign. Review status: no assertion criteria provided. Collection method: clinical testing. Allele origin: germline. Affected: yes. Study: VKGL Data-share Consensus. Not counted in ClinVar's aggregate classification.

Genetic Services Laboratory, University of Chicago
Classification: Likely benign for AllHighlyPenetrant. Review status: no assertion criteria provided. Collection method: clinical testing. Allele origin: germline. Inheritance: Autosomal dominant inheritance. Not counted in ClinVar's aggregate classification.
Comment: Likely benign based on allele frequency in 1000 Genomes Project or ESP global frequency and its presence in a patient with a rare or unrelated disease phenotype. NOT Sanger confirmed.

Joint Genome Diagnostic Labs from Nijmegen and Maastricht, Radboudumc and MUMC+
Classification: Benign. Review status: no assertion criteria provided. Collection method: clinical testing. Allele origin: germline. Affected: yes. Study: VKGL Data-share Consensus. Not counted in ClinVar's aggregate classification.

NM_001165963.4(SCN1A):c.2292T>C (p.Val764=)

Gene: SCN1A (sodium voltage-gated channel alpha subunit 1; minus strand). Cytogenetic location: 2q24.3.
Variant type: single nucleotide variant.
Coding change: c.2292T>C on transcript NM_001165963.4 (MANE Select); coding-DNA position 2292, T replaced by C.
Protein change: p.Val764=; no amino-acid change (valine 764 retained).
Molecular consequence: synonymous variant. On other transcripts: 5 prime UTR variant (1), non-coding transcript variant (1).
Genome position (GRCh38, 1-based): chr2:166,041,354, A>G on the plus strand (T>C on the coding strand, the complement: SCN1A is on the minus strand). VCF-style: chr2-166041354-A-G. GRCh37 (hg19) VCF-style: chr2-166897864-A-G.
Other names: p.Val764=; c.2208T>C, p.Val736= (NM_001165964.3, NM_001353957.2, NM_001353958.2); c.2292T>C, p.Val764= (NM_001202435.3, NM_001353948.2); c.2259T>C, p.Val753= (NM_001353949.2, NM_001353950.2, NM_001353951.2 and 2 more transcripts); c.2256T>C, p.Val752= (NM_001353954.2, NM_001353955.2); c.2205T>C, p.Val735= (NM_001353960.2); c.-167T>C (NM_001353961.2); c.2292T>C (NM_001165963.3).
Identifiers: ClinVar variation 36752 (VCV000036752.41), dbSNP rs6432860, ClinGen allele CA147174.
Genomic context (GRCh38, chr2:166,041,354, plus strand): 5'-GAAAAGAGTATTTAAGACAATACAGATGGTGATGGCCAGGTCAACAAATGGGTCCATCAC[A>G]ACCAGGTTGACAACATGTTTCACTTTTAACCAATATGGAGAACAGTCCCAGATTAAGAAT-3'
Protein context (NP_001159435.1, residues 754-774): WLKVKHVVNL[Val764=]VMDPFVDLAI